The following is an entry in ClinVar:

NM_007294.4(BRCA1):c.81-20C>G

Gene: BRCA1 (BRCA1 DNA repair associated; minus strand). Cytogenetic location: 17q21.31.
Variant type: single nucleotide variant.
Coding change: c.81-20C>G on transcript NM_007294.4 (MANE Select); 20 bases into the intron before coding-DNA position 81, C replaced by G.
Molecular consequence: intron variant.
Genome position (GRCh38, 1-based): chr17:43,115,799, G>C on the plus strand (C>G on the coding strand, the complement: BRCA1 is on the minus strand). VCF-style: chr17-43115799-G-C. GRCh37 (hg19) VCF-style: chr17-41267816-G-C.
Other names: c.-61-20C>G (NM_001408458.1, NM_001408470.1, NM_001407848.1 and 47 more transcripts); c.-219+9478C>G (NM_001407967.1); c.-170+9478C>G (NM_001407959.1); c.-7-9266C>G (NM_001407931.1, NM_001407747.1, NM_001408511.1 and 2 more transcripts); c.-223-20C>G (NM_001407962.1, NM_001408512.1, NM_001408510.1 and 1 more transcripts); c.-108-20C>G (NM_001407885.1, NM_001407886.1, NM_001408509.1 and 52 more transcripts); c.-177-20C>G (NM_001407746.1, NM_001408468.1, NM_001407842.1 and 13 more transcripts); c.-8+8218C>G (NM_001408461.1, NM_001407738.1, NM_001407932.1 and 23 more transcripts); and 10 more.
Identifiers: ClinVar variation 867758 (VCV000867758.11), dbSNP rs80358039, ClinGen allele CA916081092.

ClinVar aggregate classification (germline): Likely benign (1 of 4 stars; one submission).

Conditions:
Hereditary breast ovarian cancer syndrome. Also called: Hereditary breast and ovarian cancer; Hereditary breast and ovarian cancer syndrome (HBOC); Breast and ovarian cancer; Hereditary breast and/or ovarian cancer syndrome; BRCA1- and BRCA2-Associated Hereditary Breast and Ovarian Cancer; Hereditary breast and ovarian cancer syndrome. Identifiers: Orphanet 145, MedGen C0677776, MeSH D061325, MONDO:0003582. Disease mechanism: loss of function.

Submissions (2):

Labcorp Genetics (formerly Invitae), Labcorp
Classification: Likely benign for Hereditary breast ovarian cancer syndrome. Last evaluated: 2024-11-04. Review status: criteria provided, single submitter. Criteria: Invitae Variant Classification Sherloc (09022015). Collection method: clinical testing. Allele origin: germline.

Brotman Baty Institute, University of Washington
No classification provided (evidence only). Condition: Breast-ovarian cancer, familial 1. Review status: no classification provided. Collection method: in vitro. Allele origin: not applicable. Functional consequence: functionally_normal. Not counted in ClinVar's aggregate classification.
ClinVar note: "not provided" was previously submitted as the classification for the variant. However, the classification appeared to be based only on an observation of functional data so it was converted to no classification on 2025-07-30.